The following is an entry in ClinVar:

ClinVar aggregate classification (germline): Conflicting classifications of pathogenicity. Review status: criteria provided, conflicting classifications (1 of 4 stars). 6 submissions from 6 submitters: Uncertain significance (4); Benign (1); Likely benign (1). Last evaluated 2026-01-31.

Conditions:
ALK-related disorder. Also called: ALK-related condition.
Hereditary cancer-predisposing syndrome. Also called: Tumor predisposition; Neoplastic Syndromes, Hereditary; Hereditary Cancer Syndrome; Hereditary neoplastic syndrome. Identifiers: Orphanet 140162, MedGen C0027672, MeSH D009386, MONDO:0015356.
Neuroblastoma, susceptibility to, 3. Also called: ALK-Related Neuroblastic Tumor Susceptibility. Identifiers: Orphanet 635, MedGen C2751681, MONDO:0013083, OMIM 613014.

Allele frequency attached by ClinVar (database versions not stated): gnomAD 0.00018 and 0.00017; gnomAD exomes 0.00020 and 0.00013; ESP Exome Variant Server 0.00023; ExAC 0.00005; TOPMed 0.00015.
gnomAD v4.1: 304 of 1,614,076 alleles (0.019%); highest among the groups gnomAD compares: Non-Finnish European, 0.025%; no homozygotes.

Submissions (6):

Labcorp Genetics (formerly Invitae), Labcorp
Classification: Uncertain significance for Neuroblastoma, susceptibility to, 3. Last evaluated: 2026-01-31. Review status: criteria provided, single submitter. Criteria: Invitae Variant Classification Sherloc (09022015). Collection method: clinical testing. Allele origin: germline.
Comment: This sequence change replaces glutamic acid, which is acidic and polar, with aspartic acid, which is acidic and polar, at codon 1400 of the ALK protein (p.Glu1400Asp). This variant is present in population databases (rs143647372, gnomAD 0.03%). This variant has not been reported in the literature in individuals affected with ALK-related conditions. ClinVar contains an entry for this variant (Variation ID: 404316). An algorithm developed to predict the effect of missense changes on protein structure and function (PolyPhen-2) suggests that this variant is likely to be disruptive. In summary, the available evidence is currently insufficient to determine the role of this variant in disease. Therefore, it has been classified as a Variant of Uncertain Significance.

Ambry Genetics
Classification: Benign for Hereditary cancer-predisposing syndrome. Last evaluated: 2024-06-25. Review status: criteria provided, single submitter. Criteria: Ambry Variant Classification Scheme 2023. Collection method: clinical testing. Allele origin: germline.

Baylor Genetics
Classification: Uncertain significance for Neuroblastoma, susceptibility to, 3. Last evaluated: 2024-03-28. Review status: criteria provided, single submitter. Criteria: ACMG Guidelines, 2015. Collection method: clinical testing. Allele origin: unknown.

PreventionGenetics, part of Exact Sciences
Classification: Uncertain significance for ALK-related condition. Last evaluated: 2023-02-07. Review status: criteria provided, single submitter. Criteria: ACMG Guidelines, 2015. Collection method: clinical testing. Allele origin: germline.
Comment: The ALK c.4200A>C variant is predicted to result in the amino acid substitution p.Glu1400Asp. To our knowledge, this variant has not been reported in the literature. This variant is reported in 0.028% of alleles in individuals of European (Non-Finnish) descent in gnomAD. In ClinVar, this variant has conflicting interpretations of likely benign and uncertain significance. At this time, the clinical significance of this variant is uncertain due to the absence of conclusive functional and genetic evidence.

Sema4
Classification: Likely benign for Hereditary cancer-predisposing syndrome. Last evaluated: 2021-03-31. Review status: criteria provided, single submitter. Criteria: Sema4 Curation Guidelines. Collection method: curation. Allele origin: germline.

Illumina Laboratory Services, Illumina
Classification: Uncertain significance for Neuroblastoma, susceptibility to, 3. Last evaluated: 2018-01-12. Review status: criteria provided, single submitter. Criteria: ICSL Variant Classification Criteria 13 December 2019. Collection method: clinical testing. Allele origin: germline.

NM_004304.5(ALK):c.4200A>C (p.Glu1400Asp)

Gene: ALK (ALK receptor tyrosine kinase; minus strand). Cytogenetic location: 2p23.2.
Variant type: single nucleotide variant.
Coding change: c.4200A>C on transcript NM_004304.5 (MANE Select); coding-DNA position 4200, A replaced by C.
Protein change: p.Glu1400Asp; replaces glutamic acid 1400 with aspartic acid.
Molecular consequence: missense variant.
Genome position (GRCh38, 1-based): chr2:29,193,887, T>G on the plus strand (A>C on the coding strand, the complement: ALK is on the minus strand). VCF-style: chr2-29193887-T-G. GRCh37 (hg19) VCF-style: chr2-29416753-T-G.
Other names: c.996A>C, p.Glu332Asp (NM_001353765.2); short protein forms E1400D, E332D.
Identifiers: ClinVar variation 404316 (VCV000404316.22), dbSNP rs143647372, ClinGen allele CA1593626.